The following is an entry in ClinVar:

NM_001042492.3(NF1):c.2827A>T (p.Lys943Ter)

Gene: NF1 (neurofibromin 1; plus strand). Cytogenetic location: 17q11.2.
Variant type: single nucleotide variant.
Coding change: c.2827A>T on transcript NM_001042492.3 (MANE Select); coding-DNA position 2827, A replaced by T.
Protein change: p.Lys943Ter; replaces lysine 943 with a stop codon.
Molecular consequence: nonsense.
Genome position (GRCh38, 1-based): chr17:31,229,442, A>T. VCF-style: chr17-31229442-A-T. GRCh37 (hg19) VCF-style: chr17-29556460-A-T.
Other names: c.2827A>T, p.Lys943Ter (NM_000267.4); short protein forms K943*.
Identifiers: ClinVar variation 585292 (VCV000585292.8), dbSNP rs1567849199, ClinGen allele CA398985815.
Genomic context (GRCh38, chr17:31,229,442, plus strand): 5'-CTAGAATTGAGTCCTGCTCTGTATCCAATGCTATTTAACAAATTGAAGAATACCATCAGC[A>T]AGTTTTTTGACTCCCAAGGACAGGTAAAGTGTTCTCTTATTTTTCACCTTTCTCTATGAA-3'

ClinVar aggregate classification (germline): Pathogenic. Review status: criteria provided, multiple submitters, no conflicts (2 of 4 stars). 4 submissions from 4 submitters: Pathogenic (4). Last evaluated 2026-10-06.

Conditions:
Neurofibromatosis, type 1 (NF1). Also called: VON RECKLINGHAUSEN DISEASE; Peripheral type neurofibromatosis; Neurofibromatosis, type I; NEUROFIBROMATOSIS, TYPE I, SOMATIC. Identifiers: Orphanet 636, MedGen C0027831, MONDO:0018975, OMIM 162200. Disease mechanism: loss of function.
Hereditary cancer-predisposing syndrome. Also called: Hereditary Cancer Syndrome; Neoplastic Syndromes, Hereditary; Hereditary neoplastic syndrome; Tumor predisposition. Identifiers: Orphanet 140162, MedGen C0027672, MeSH D009386, MONDO:0015356.
Cardiovascular phenotype. Identifiers: MedGen CN230736.

Submissions (4):

NHS Central & South Genomic Laboratory Hub
Classification: Pathogenic for Neurofibromatosis type 1. Last evaluated: 2026-10-06. Review status: criteria provided, single submitter. Criteria: ACMG Guidelines, 2015. Collection method: clinical testing. Allele origin: germline. Affected: yes.

Genome-Nilou Lab
Classification: Pathogenic for Neurofibromatosis, type 1. Last evaluated: 2022-03-15. Review status: criteria provided, single submitter. Criteria: ACMG Guidelines, 2015. Collection method: clinical testing. Allele origin: germline. Affected: no.

Ambry Genetics
Classification: Pathogenic for Cardiovascular phenotype; Hereditary cancer-predisposing syndrome. Last evaluated: 2019-03-19. Review status: criteria provided, single submitter. Criteria: Ambry Variant Classification Scheme 2023. Collection method: clinical testing. Allele origin: germline.
Comment: The p.K943* pathogenic mutation (also known as c.2827A>T), located in coding exon 21 of the NF1 gene, results from an A to T substitution at nucleotide position 2827. This changes the amino acid from a lysine to a stop codon within coding exon 21. This alteration is expected to result in loss of function by premature protein truncation or nonsense-mediated mRNA decay. As such, this alteration is interpreted as a disease-causing mutation.

Center of Genomic medicine, Geneva, University Hospital of Geneva
Classification: Pathogenic for Neurofibromatosis, type 1. Last evaluated: 2018-02-09. Review status: criteria provided, single submitter. Criteria: ACMG Guidelines, 2015. Collection method: clinical testing. Allele origin: de novo. Affected: yes. Observed: 1 variant allele.